The following is an entry in ClinVar:

ClinVar aggregate classification (germline): Uncertain significance (1 of 4 stars; one submission).

gnomAD v4.1: 21 of 1,563,094 alleles (0.0013%); highest among the groups gnomAD compares: Non-Finnish European, 0.00069%; no homozygotes.

Submission:

Labcorp Genetics (formerly Invitae), Labcorp
Classification: Uncertain significance. Last evaluated: 2025-10-01. Review status: criteria provided, single submitter. Criteria: Invitae Variant Classification Sherloc (09022015). Collection method: clinical testing. Allele origin: germline.
Comment: This sequence change replaces proline, which is neutral and non-polar, with arginine, which is basic and polar, at codon 5 of the FN1 protein (p.Pro5Arg). This variant is present in population databases (rs754369776, gnomAD 0.01%). This variant has not been reported in the literature in individuals affected with FN1-related conditions. ClinVar contains an entry for this variant (Variation ID: 3694804). Experimental studies and prediction algorithms are not available or were not evaluated, and the functional significance of this variant is currently unknown. In summary, the available evidence is currently insufficient to determine the role of this variant in disease. Therefore, it has been classified as a Variant of Uncertain Significance.

NM_212482.4(FN1):c.14C>G (p.Pro5Arg)

Genes: FN1 (fibronectin 1; minus strand), FN1-DT (FN1 divergent transcript; plus strand). Cytogenetic location: 2q35.
Variant type: single nucleotide variant.
Coding change: c.14C>G on transcript NM_212482.4 (MANE Select); coding-DNA position 14, C replaced by G.
Protein change: p.Pro5Arg; replaces proline 5 with arginine.
Molecular consequence: missense variant. On other transcripts: non-coding transcript variant (1).
Genome position (GRCh38, 1-based): chr2:215,435,789, G>C on the plus strand (C>G on the coding strand, the complement: FN1 is on the minus strand). VCF-style: chr2-215435789-G-C. GRCh37 (hg19) VCF-style: chr2-216300512-G-C.
Other names: c.14C>G, p.Pro5Arg (NM_001306129.2, NM_001306130.2, NM_001306131.2 and 14 more transcripts); short protein forms P5R.
Identifiers: ClinVar variation 3694804 (VCV003694804.2).